The following is an entry in ClinVar:

ClinVar aggregate classification (germline): Uncertain significance (1 of 4 stars; one submission).

Submission:

Labcorp Genetics (formerly Invitae), Labcorp
Classification: Uncertain significance. Last evaluated: 2025-08-15. Review status: criteria provided, single submitter. Criteria: Invitae Variant Classification Sherloc (09022015). Collection method: clinical testing. Allele origin: germline.
Comment: This sequence change replaces valine, which is neutral and non-polar, with glycine, which is neutral and non-polar, at codon 395 of the ATP2A2 protein (p.Val395Gly). This variant is not present in population databases (gnomAD no frequency). This variant has not been reported in the literature in individuals affected with ATP2A2-related conditions. An algorithm developed to predict the effect of missense changes on protein structure and function (PolyPhen-2) suggests that this variant is likely to be disruptive. In summary, the available evidence is currently insufficient to determine the role of this variant in disease. Therefore, it has been classified as a Variant of Uncertain Significance.

NM_170665.4(ATP2A2):c.1184T>G (p.Val395Gly)

Gene: ATP2A2 (ATPase sarcoplasmic/endoplasmic reticulum Ca2+ transporting 2; plus strand). Cytogenetic location: 12q24.11.
Variant type: single nucleotide variant.
Coding change: c.1184T>G on transcript NM_170665.4 (MANE Select); coding-DNA position 1184, T replaced by G.
Protein change: p.Val395Gly; replaces valine 395 with glycine.
Molecular consequence: missense variant.
Genome position (GRCh38, 1-based): chr12:110,332,685, T>G. VCF-style: chr12-110332685-T-G. GRCh37 (hg19) VCF-style: chr12-110770490-T-G.
Other names: c.1079T>G, p.Val360Gly (NM_001413013.1); c.1184T>G, p.Val395Gly (NM_001413014.1, NM_001681.4); c.809T>G, p.Val270Gly (NM_001413015.1); short protein forms V270G, V360G, V395G.
Identifiers: ClinVar variation 4725481 (VCV004725481.1).
Genomic context (GRCh38, chr12:110,332,685, plus strand): 5'-ATACTTGTTCCCTTAATGAGTTTACCATAACTGGATCAACTTATGCACCTATTGGAGAAG[T>G]GTGAGTAACCCTCCTCCTCATTTAAAGGATCTGGTGTGGCAGTTTAGTATTTGTATTGAT-3'
Protein context (NP_733765.1, residues 385-405): TGSTYAPIGE[Val395Gly]HKDDKPVNCH